The following is an entry in ClinVar:

NM_213599.3(ANO5):c.2207G>A (p.Gly736Glu)

Gene: ANO5 (anoctamin 5; plus strand). Cytogenetic location: 11p14.3.
Variant type: single nucleotide variant.
Coding change: c.2207G>A on transcript NM_213599.3 (MANE Select); coding-DNA position 2207, G replaced by A.
Protein change: p.Gly736Glu; replaces glycine 736 with glutamic acid.
Molecular consequence: missense variant.
Genome position (GRCh38, 1-based): chr11:22,272,961, G>A. VCF-style: chr11-22272961-G-A. GRCh37 (hg19) VCF-style: chr11-22294507-G-A.
Other names: c.2204G>A, p.Gly735Glu (NM_001142649.2); c.2165G>A, p.Gly722Glu (NM_001410963.1); c.2162G>A, p.Gly721Glu (NM_001410964.1); short protein forms G721E, G735E, G722E, G736E.
Identifiers: ClinVar variation 2066343 (VCV002066343.4), dbSNP rs2494377209, ClinGen allele CA379924005.

ClinVar aggregate classification (germline): Uncertain significance (1 of 4 stars; one submission).

Conditions:
Gnathodiaphyseal dysplasia (GDD). Also called: GNATHODIAPHYSEAL SCLEROSIS; OSTEOGENESIS IMPERFECTA WITH UNUSUAL SKELETAL LESIONS. Identifiers: Orphanet 53697, MedGen C1833736, MONDO:0008151, OMIM 166260.
Autosomal recessive limb-girdle muscular dystrophy type 2L (LGMDR12). Also called: MUSCULAR DYSTROPHY, LIMB-GIRDLE, AUTOSOMAL RECESSIVE 12; Limb-girdle muscular dystrophy, type 2L; Limb-Girdle Muscular Dystrophy R12 Anoctamin-5-Related (LGMD-R12). Identifiers: Orphanet 206549, MedGen C1969785, MONDO:0012652, OMIM 611307.

Submission:

Labcorp Genetics (formerly Invitae), Labcorp
Classification: Uncertain significance for Autosomal recessive limb-girdle muscular dystrophy type 2L; Gnathodiaphyseal dysplasia. Last evaluated: 2023-03-23. Review status: criteria provided, single submitter. Criteria: Invitae Variant Classification Sherloc (09022015). Collection method: clinical testing. Allele origin: germline.
Comment: This sequence change replaces glycine, which is neutral and non-polar, with glutamic acid, which is acidic and polar, at codon 736 of the ANO5 protein (p.Gly736Glu). In summary, the available evidence is currently insufficient to determine the role of this variant in disease. Therefore, it has been classified as a Variant of Uncertain Significance. Advanced modeling of protein sequence and biophysical properties (such as structural, functional, and spatial information, amino acid conservation, physicochemical variation, residue mobility, and thermodynamic stability) has been performed at Invitae for this missense variant, however the output from this modeling did not meet the statistical confidence thresholds required to predict the impact of this variant on ANO5 protein function. ClinVar contains an entry for this variant (Variation ID: 2066343). This variant has not been reported in the literature in individuals affected with ANO5-related conditions. This variant is not present in population databases (gnomAD no frequency).